The following is an entry in ClinVar:

ClinVar aggregate classification (germline): Uncertain significance. Review status: criteria provided, multiple submitters, no conflicts (2 of 4 stars). 2 submissions from 2 submitters: Uncertain significance (2). Last evaluated 2022-07-19.

Conditions:
Inborn genetic diseases. Identifiers: MedGen C0950123, MeSH D030342.

Allele frequency attached by ClinVar (database versions not stated): ExAC 0.00002; gnomAD 0.00002; TOPMed 0.00002; gnomAD exomes 0.00004.

Submissions (2):

Labcorp Genetics (formerly Invitae), Labcorp
Classification: Uncertain significance. Last evaluated: 2022-07-19. Review status: criteria provided, single submitter. Criteria: Invitae Variant Classification Sherloc (09022015). Collection method: clinical testing. Allele origin: germline.
Comment: This sequence change replaces glutamic acid, which is acidic and polar, with aspartic acid, which is acidic and polar, at codon 780 of the AP3B2 protein (p.Glu780Asp). This variant is present in population databases (rs200655723, gnomAD 0.006%). This variant has not been reported in the literature in individuals affected with AP3B2-related conditions. ClinVar contains an entry for this variant (Variation ID: 1350927). Algorithms developed to predict the effect of missense changes on protein structure and function (SIFT, PolyPhen-2, Align-GVGD) all suggest that this variant is likely to be tolerated. In summary, the available evidence is currently insufficient to determine the role of this variant in disease. Therefore, it has been classified as a Variant of Uncertain Significance.

Ambry Genetics
Classification: Uncertain significance for Inborn genetic diseases. Last evaluated: 2022-05-04. Review status: criteria provided, single submitter. Criteria: Ambry Variant Classification Scheme 2023. Collection method: clinical testing. Allele origin: germline.

NM_001278512.2(AP3B2):c.2397G>C (p.Glu799Asp)

Genes: AP3B2 (adaptor related protein complex 3 subunit beta 2; minus strand), CPEB1-AS1 (CPEB1 antisense RNA 1; plus strand). Cytogenetic location: 15q25.2.
Variant type: single nucleotide variant.
Coding change: c.2397G>C on transcript NM_001278512.2 (MANE Select); coding-DNA position 2397, G replaced by C.
Protein change: p.Glu799Asp; replaces glutamic acid 799 with aspartic acid.
Molecular consequence: missense variant.
Genome position (GRCh38, 1-based): chr15:82,663,840, C>G on the plus strand (G>C on the coding strand, the complement: AP3B2 is on the minus strand). VCF-style: chr15-82663840-C-G. GRCh37 (hg19) VCF-style: chr15-83332592-C-G.
Other names: c.2244G>C, p.Glu748Asp (NM_001278511.2); c.2340G>C, p.Glu780Asp (NM_004644.5); c.2340G>C (NM_004644.3); short protein forms E780D, E748D, E799D.
Identifiers: ClinVar variation 1350927 (VCV001350927.6), dbSNP rs200655723, ClinGen allele CA7699932.